The following is an entry in ClinVar:

NM_018706.7(DHTKD1):c.1382C>G (p.Thr461Arg)

Gene: DHTKD1 (dehydrogenase E1 and transketolase domain containing 1; plus strand). Cytogenetic location: 10p14.
Variant type: single nucleotide variant.
Coding change: c.1382C>G on transcript NM_018706.7 (MANE Select); coding-DNA position 1382, C replaced by G.
Protein change: p.Thr461Arg; replaces threonine 461 with arginine.
Molecular consequence: missense variant.
Genome position (GRCh38, 1-based): chr10:12,097,707, C>G. VCF-style: chr10-12097707-C-G. GRCh37 (hg19) VCF-style: chr10-12139706-C-G.
Other names: short protein forms T461R.
Identifiers: ClinVar variation 1029712 (VCV001029712.10), dbSNP rs201559023, ClinGen allele CA5407844.
Genomic context (GRCh38, chr10:12,097,707, plus strand): 5'-GTCAGACTGATTTTTGTTTCTTCTCTTTCTTGGGCAGAGCTCGAAAGAGCATTCCAGACA[C>G]ATATGCAGAGCACCTCATTGCTGGCGGACTCATGACGCAGGAGGAGGTGTCTGAAATAAA-3'
Protein context (NP_061176.4, residues 451-471): IIRARKSIPD[Thr461Arg]YAEHLIAGGL

ClinVar aggregate classification (germline): Uncertain significance. Review status: criteria provided, multiple submitters, no conflicts (2 of 4 stars). 3 submissions from 3 submitters: Uncertain significance (3). Last evaluated 2025-08-18.

Conditions:
Inborn genetic diseases. Identifiers: MedGen C0950123, MeSH D030342.
2-aminoadipic 2-oxoadipic aciduria (AAKAD). Also called: ALPHA-AMINOADIPIC AND ALPHA-KETOADIPIC ACIDURIA; Aminoadipic aciduria. Identifiers: Orphanet 79154, MedGen C1859817, MONDO:0008774, OMIM 204750.

Allele frequency attached by ClinVar (database versions not stated): TOPMed 0.00002.
gnomAD v4.1: 47 of 1,613,368 alleles (0.0029%); highest among the groups gnomAD compares: Non-Finnish European, 0.004%; no homozygotes.

Submissions (3):

Labcorp Genetics (formerly Invitae), Labcorp
Classification: Uncertain significance for 2-aminoadipic 2-oxoadipic aciduria. Last evaluated: 2025-08-18. Review status: criteria provided, single submitter. Criteria: Invitae Variant Classification Sherloc (09022015). Collection method: clinical testing. Allele origin: germline.
Comment: This sequence change replaces threonine, which is neutral and polar, with arginine, which is basic and polar, at codon 461 of the DHTKD1 protein (p.Thr461Arg). This variant is present in population databases (rs201559023, gnomAD 0.004%). This variant has not been reported in the literature in individuals affected with DHTKD1-related conditions. ClinVar contains an entry for this variant (Variation ID: 1029712). Invitae Evidence Modeling of protein sequence and biophysical properties (such as structural, functional, and spatial information, amino acid conservation, physicochemical variation, residue mobility, and thermodynamic stability) indicates that this missense variant is not expected to disrupt DHTKD1 protein function with a negative predictive value of 80%. In summary, the available evidence is currently insufficient to determine the role of this variant in disease. Therefore, it has been classified as a Variant of Uncertain Significance.

Ambry Genetics
Classification: Uncertain significance for Inborn genetic diseases. Last evaluated: 2024-12-30. Review status: criteria provided, single submitter. Criteria: Ambry Variant Classification Scheme 2023. Collection method: clinical testing. Allele origin: germline.

Baylor Genetics
Classification: Uncertain significance for 2-aminoadipic 2-oxoadipic aciduria. Last evaluated: 2019-03-01. Review status: criteria provided, single submitter. Criteria: ACMG Guidelines, 2015. Collection method: clinical testing. Allele origin: unknown. Affected: yes.
Comment: This variant was determined to be of uncertain significance according to ACMG Guidelines, 2015 [PMID:25741868].